The following is an entry in ClinVar:

NM_004522.3(KIF5C):c.1694T>C (p.Ile565Thr)

Gene: KIF5C (kinesin family member 5C; plus strand). Cytogenetic location: 2q23.1.
Variant type: single nucleotide variant.
Coding change: c.1694T>C on transcript NM_004522.3 (MANE Select); coding-DNA position 1694, T replaced by C.
Protein change: p.Ile565Thr; replaces isoleucine 565 with threonine.
Molecular consequence: missense variant. On other transcripts: non-coding transcript variant (1).
Genome position (GRCh38, 1-based): chr2:148,983,744, T>C. VCF-style: chr2-148983744-T-C. GRCh37 (hg19) VCF-style: chr2-149840258-T-C.
Other names: c.1694T>C (NM_004522.2); short protein forms I565T.
Identifiers: ClinVar variation 4847258 (VCV004847258.2).

ClinVar aggregate classification (germline): Uncertain significance. Review status: criteria provided, multiple submitters, no conflicts (2 of 4 stars). 2 submissions from 2 submitters: Uncertain significance (2). Last evaluated 2026-03-13.

Conditions:
KIF5C-related disorder. Also called: KIF5C-related condition.

gnomAD v4.1: 3 of 1,609,174 alleles (0.00019%); highest among the groups gnomAD compares: African/African-American, 0.004%; no homozygotes.

Submissions (2):

Women's Health and Genetics/Laboratory Corporation of America, LabCorp
Classification: Uncertain significance. Last evaluated: 2026-03-13. Review status: criteria provided, single submitter. Criteria: LabCorp Variant Classification Summary - May 2015. Collection method: clinical testing. Allele origin: germline.
Comment: Variant summary: KIF5C c.1694T>C (p.Ile565Thr) results in a non-conservative amino acid change in the encoded protein sequence. Algorithms developed to predict the effect of missense changes on protein structure and function are either unavailable or do not agree on the potential impact of this missense change. The variant was absent in 244108 control chromosomes. The available data on variant occurrences in the general population are insufficient to allow any conclusion about variant significance. To our knowledge, no occurrence of c.1694T>C in individuals affected with KIF5C-related conditions and no experimental evidence demonstrating its impact on protein function have been reported. No submitters have cited clinical-significance assessments for this variant to ClinVar. Based on the evidence outlined above, the variant was classified as uncertain significance.

PreventionGenetics, part of Exact Sciences
Classification: Uncertain significance for KIF5C-related condition. Last evaluated: 2026-01-30. Review status: criteria provided, single submitter. Criteria: ACMG Guidelines, 2015. Collection method: clinical testing. Allele origin: germline.
Comment: The KIF5C c.1694T>C variant is predicted to result in the amino acid substitution p.Ile565Thr. To our knowledge, this variant has not been reported in the literature or in a large population database (gnomAD), indicating this variant is rare. At this time, the clinical significance of this variant is uncertain due to the absence of conclusive functional and genetic evidence.